The following is an entry in ClinVar:

ClinVar aggregate classification (germline): Conflicting classifications of pathogenicity. Review status: criteria provided, conflicting classifications (1 of 4 stars). 3 submissions from 3 submitters: Uncertain significance (1); Benign (1); Likely benign (1). Last evaluated 2025-12-14.

Conditions:
HCFC1-related disorder. Also called: HCFC1-related condition.
Methylmalonic acidemia with homocystinuria, type cblX (MAHCX). Also called: INTELLECTUAL DEVELOPMENTAL DISORDER, X-LINKED 3. Identifiers: Orphanet 369962, MedGen C0796208, MONDO:0010657, OMIM 309541.

Allele frequency attached by ClinVar (database versions not stated): TOPMed 0.00001; ExAC 0.00002; gnomAD exomes 0.00002 and 0.00003.
gnomAD v4.1: 17 of 1,203,544 alleles (0.0014%); highest among the groups gnomAD compares: South Asian, 0.03%; no homozygotes.

Submissions (3):

Labcorp Genetics (formerly Invitae), Labcorp
Classification: Benign for Methylmalonic acidemia with homocystinuria, type cblX. Last evaluated: 2025-12-14. Review status: criteria provided, single submitter. Criteria: Invitae Variant Classification Sherloc (09022015). Collection method: clinical testing. Allele origin: germline.

PreventionGenetics, part of Exact Sciences
Classification: Likely benign for HCFC1-related condition. Last evaluated: 2025-07-24. Review status: criteria provided, single submitter. Criteria: ACMG Guidelines, 2015. Collection method: clinical testing. Allele origin: germline.
Comment: This variant is classified as likely benign based on ACMG/AMP sequence variant interpretation guidelines (Richards et al. 2015 PMID: 25741868, with internal and published modifications).

Women's Health and Genetics/Laboratory Corporation of America, LabCorp
Classification: Uncertain significance. Last evaluated: 2022-02-18. Review status: criteria provided, single submitter. Criteria: LabCorp Variant Classification Summary - May 2015. Collection method: clinical testing. Allele origin: germline.

NM_005334.3(HCFC1):c.4052C>A (p.Pro1351His)

Gene: HCFC1 (host cell factor C1; minus strand). Cytogenetic location: Xq28.
Variant type: single nucleotide variant.
Coding change: c.4052C>A on transcript NM_005334.3 (MANE Select); coding-DNA position 4052, C replaced by A.
Protein change: p.Pro1351His; replaces proline 1351 with histidine.
Molecular consequence: missense variant.
Genome position (GRCh38, 1-based): chrX:153,954,347, G>T on the plus strand (C>A on the coding strand, the complement: HCFC1 is on the minus strand). VCF-style: chrX-153954347-G-T. GRCh37 (hg19) VCF-style: chrX-153219798-G-T.
Other names: short protein forms P1351H.
Identifiers: ClinVar variation 1343602 (VCV001343602.5), dbSNP rs111385795, ClinGen allele CA10557085.